The following is an entry in ClinVar:

NM_005763.4(AASS):c.1469A>C (p.Tyr490Ser)

Gene: AASS (aminoadipate-semialdehyde synthase; minus strand). Cytogenetic location: 7q31.32.
Variant type: single nucleotide variant.
Coding change: c.1469A>C on transcript NM_005763.4 (MANE Select); coding-DNA position 1469, A replaced by C.
Protein change: p.Tyr490Ser; replaces tyrosine 490 with serine.
Molecular consequence: missense variant.
Genome position (GRCh38, 1-based): chr7:122,098,804, T>G on the plus strand (A>C on the coding strand, the complement: AASS is on the minus strand). VCF-style: chr7-122098804-T-G. GRCh37 (hg19) VCF-style: chr7-121738858-T-G.
Other names: short protein forms Y490S.
Identifiers: ClinVar variation 4746050 (VCV004746050.1).
Genomic context (GRCh38, chr7:122,098,804, plus strand): 5'-CCTACTGTTATTTCTATATTGCCATCTCTTGATAAATATTCTAATACAGGCTCAGATATG[T>G]AGCCAGATCCAAGAACCAAAACCTTTCTCCTGGTGCCCATTGAAAGTGACTGAGCACGTT-3'
Protein context (NP_005754.2, residues 480-500): RRKVLVLGSG[Tyr490Ser]ISEPVLEYLS

ClinVar aggregate classification (germline): Uncertain significance (1 of 4 stars; one submission).

Submission:

Labcorp Genetics (formerly Invitae), Labcorp
Classification: Uncertain significance. Last evaluated: 2025-03-27. Review status: criteria provided, single submitter. Criteria: Invitae Variant Classification Sherloc (09022015). Collection method: clinical testing. Allele origin: germline.
Comment: This sequence change replaces tyrosine, which is neutral and polar, with serine, which is neutral and polar, at codon 490 of the AASS protein (p.Tyr490Ser). This variant is not present in population databases (gnomAD no frequency). This variant has not been reported in the literature in individuals affected with AASS-related conditions. Invitae Evidence Modeling of protein sequence and biophysical properties (such as structural, functional, and spatial information, amino acid conservation, physicochemical variation, residue mobility, and thermodynamic stability) indicates that this missense variant is not expected to disrupt AASS protein function with a negative predictive value of 80%. In summary, the available evidence is currently insufficient to determine the role of this variant in disease. Therefore, it has been classified as a Variant of Uncertain Significance.